The following is an entry in ClinVar:

ClinVar aggregate classification (germline): Uncertain significance (1 of 4 stars; one submission).

Submission:

GeneDx
Classification: Uncertain significance. Last evaluated: 2022-07-07. Review status: criteria provided, single submitter. Criteria: GeneDx Variant Classification Process June 2021. Collection method: clinical testing. Allele origin: germline. Affected: yes.
Comment: Not observed at significant frequency in large population cohorts (gnomAD); Frameshift variant predicted to result in protein truncation as the last 66 amino acids are replaced with 42 different amino acids, although loss-of-function variants have not been reported downstream of this position in the protein; Has not been previously published as pathogenic or benign to our knowledge

NM_001134665.3(TRMT10A):c.820del (p.Gln274fs)

Gene: TRMT10A (tRNA methyltransferase 10A; minus strand). Cytogenetic location: 4q23.
Variant type: Deletion.
Coding change: c.820del on transcript NM_001134665.3 (MANE Select); coding-DNA position 820, one base deleted (C; older notation c.820delC).
Protein change: p.Gln274fs; shifts the reading frame from glutamine 274.
Molecular consequence: frameshift variant.
Genome position (GRCh38, 1-based): chr4:99,549,288, G deleted on the plus strand (C on the coding strand, the reverse complement: TRMT10A is on the minus strand); the first of 4 consecutive G bases (chr4:99,549,288-99,549,291); deleting any one gives the same sequence. VCF-style (leftmost placement, unchanged base first): chr4-99549287-TG-T. GRCh37 (hg19) VCF-style: chr4-100470444-TG-T.
Other names: c.820del, p.Gln274fs (NM_001134666.3, NM_001375880.1, NM_001375881.1 and 1 more transcripts); c.799del, p.Gln267fs (NM_001375882.1); short protein forms Q274fs, Q267fs.
Identifiers: ClinVar variation 1810555 (VCV001810555.1), dbSNP rs2476003225, ClinGen allele CA2580071889.